The following is an entry in ClinVar:

ClinVar aggregate classification (germline): Uncertain significance (1 of 4 stars; one submission).

Submission:

GeneDx
Classification: Uncertain significance. Last evaluated: 2023-10-29. Review status: criteria provided, single submitter. Criteria: GeneDx Variant Classification Process June 2021. Collection method: clinical testing. Allele origin: germline. Affected: yes.
Comment: Not observed at significant frequency in large population cohorts (gnomAD); In silico analysis supports that this missense variant does not alter protein structure/function; Has not been previously published as pathogenic or benign to our knowledge

NM_006421.5(ARFGEF1):c.2106A>G (p.Ile702Met)

Gene: ARFGEF1 (ARF guanine nucleotide exchange factor 1; minus strand). Cytogenetic location: 8q13.2.
Variant type: single nucleotide variant.
Coding change: c.2106A>G on transcript NM_006421.5 (MANE Select); coding-DNA position 2106, A replaced by G.
Protein change: p.Ile702Met; replaces isoleucine 702 with methionine.
Molecular consequence: missense variant. On other transcripts: non-coding transcript variant (1).
Genome position (GRCh38, 1-based): chr8:67,266,023, T>C on the plus strand (A>G on the coding strand, the complement: ARFGEF1 is on the minus strand). VCF-style: chr8-67266023-T-C. GRCh37 (hg19) VCF-style: chr8-68178258-T-C.
Other names: c.2106A>G, p.Ile702Met (NM_001413184.1, NM_001413185.1, NM_001413186.1 and 7 more transcripts); c.1506A>G, p.Ile502Met (NM_001413188.1, NM_001413193.1, NM_001413197.1); c.681A>G, p.Ile227Met (NM_001413196.1); short protein forms I227M, I502M, I702M.
Identifiers: ClinVar variation 3363429 (VCV003363429.1).